The following is an entry in ClinVar:

ClinVar aggregate classification (germline): Uncertain significance (1 of 4 stars; one submission).

Conditions:
Alpha thalassemia-X-linked intellectual disability syndrome (ATRX). Also called: ALPHA-THALASSEMIA/MENTAL RETARDATION SYNDROME, X-LINKED; ATR, NONDELETION TYPE; ATR-X syndrome; Alpha thalassemia mental retardation syndrome, nondeletion type, X-linked; XLMR hypotonic face syndrome; X-linked alpha-thalassemia-mental retardation syndrome. Identifiers: Orphanet 847, MedGen C1845055, MONDO:0010519, OMIM 301040.

gnomAD v4.1: 3 of 1,209,324 alleles (0.00025%); highest among the groups gnomAD compares: Non-Finnish European, 0.00034%; no homozygotes.

Submission:

Labcorp Genetics (formerly Invitae), Labcorp
Classification: Uncertain significance for Alpha thalassemia-X-linked intellectual disability syndrome. Last evaluated: 2024-11-20. Review status: criteria provided, single submitter. Criteria: Invitae Variant Classification Sherloc (09022015). Collection method: clinical testing. Allele origin: germline.
Comment: This sequence change replaces glutamic acid, which is acidic and polar, with lysine, which is basic and polar, at codon 1411 of the ATRX protein (p.Glu1411Lys). This variant is not present in population databases (gnomAD no frequency). This variant has not been reported in the literature in individuals affected with ATRX-related conditions. Invitae Evidence Modeling of protein sequence and biophysical properties (such as structural, functional, and spatial information, amino acid conservation, physicochemical variation, residue mobility, and thermodynamic stability) indicates that this missense variant is not expected to disrupt ATRX protein function with a negative predictive value of 95%. In summary, the available evidence is currently insufficient to determine the role of this variant in disease. Therefore, it has been classified as a Variant of Uncertain Significance.

NM_000489.6(ATRX):c.4231G>A (p.Glu1411Lys)

Gene: ATRX (ATRX chromatin remodeler; minus strand). Cytogenetic location: Xq21.1.
Variant type: single nucleotide variant.
Coding change: c.4231G>A on transcript NM_000489.6 (MANE Select); coding-DNA position 4231, G replaced by A.
Protein change: p.Glu1411Lys; replaces glutamic acid 1411 with lysine.
Molecular consequence: missense variant.
Genome position (GRCh38, 1-based): chrX:77,654,184, C>T on the plus strand (G>A on the coding strand, the complement: ATRX is on the minus strand). VCF-style: chrX-77654184-C-T. GRCh37 (hg19) VCF-style: chrX-76909674-C-T.
Other names: c.4117G>A, p.Glu1373Lys (NM_138270.5); short protein forms E1373K, E1411K.
Identifiers: ClinVar variation 3699655 (VCV003699655.2).